The following is an entry in ClinVar:

NM_002692.4(POLE2):c.26G>A (p.Arg9Gln)

Gene: POLE2 (DNA polymerase epsilon 2, accessory subunit; minus strand). Cytogenetic location: 14q21.3.
Variant type: single nucleotide variant.
Coding change: c.26G>A on transcript NM_002692.4 (MANE Select); coding-DNA position 26, G replaced by A.
Protein change: p.Arg9Gln; replaces arginine 9 with glutamine.
Molecular consequence: missense variant. On other transcripts: 5 prime UTR variant (1).
Genome position (GRCh38, 1-based): chr14:49,688,178, C>T on the plus strand (G>A on the coding strand, the complement: POLE2 is on the minus strand). VCF-style: chr14-49688178-C-T. GRCh37 (hg19) VCF-style: chr14-50154896-C-T.
Other names: c.26G>A, p.Arg9Gln (NM_001197330.2, NM_001197331.3, NM_001348384.2); c.-210G>A (NM_001348385.2); short protein forms R9Q.
Identifiers: ClinVar variation 1911169 (VCV001911169.5), dbSNP rs867098450, ClinGen allele CA389618062.

ClinVar aggregate classification (germline): Uncertain significance (1 of 4 stars; one submission).

gnomAD v4.1: 1 of 1,544,464 alleles (0.000065%); no homozygotes.

Submission:

Labcorp Genetics (formerly Invitae), Labcorp
Classification: Uncertain significance. Last evaluated: 2025-03-18. Review status: criteria provided, single submitter. Criteria: Invitae Variant Classification Sherloc (09022015). Collection method: clinical testing. Allele origin: germline.
Comment: This sequence change replaces arginine, which is basic and polar, with glutamine, which is neutral and polar, at codon 9 of the POLE2 protein (p.Arg9Gln). This variant is not present in population databases (gnomAD no frequency). This variant has not been reported in the literature in individuals affected with POLE2-related conditions. ClinVar contains an entry for this variant (Variation ID: 1911169). An algorithm developed to predict the effect of missense changes on protein structure and function (PolyPhen-2) suggests that this variant is likely to be tolerated. In summary, the available evidence is currently insufficient to determine the role of this variant in disease. Therefore, it has been classified as a Variant of Uncertain Significance.